The following is an entry in ClinVar:

NM_001283009.2(RTEL1):c.2647C>A (p.His883Asn)

Genes: RTEL1 (regulator of telomere elongation helicase 1; plus strand), RTEL1-TNFRSF6B (RTEL1-TNFRSF6B readthrough (NMD candidate); plus strand). Cytogenetic location: 20q13.33.
Variant type: single nucleotide variant.
Coding change: c.2647C>A on transcript NM_001283009.2 (MANE Select); coding-DNA position 2647, C replaced by A.
Protein change: p.His883Asn; replaces histidine 883 with asparagine.
Molecular consequence: missense variant. On other transcripts: non-coding transcript variant (1).
Genome position (GRCh38, 1-based): chr20:63,691,832, C>A. VCF-style: chr20-63691832-C-A. GRCh37 (hg19) VCF-style: chr20-62323185-C-A.
Other names: c.1978C>A, p.His660Asn (NM_001283010.1); c.2647C>A, p.His883Asn (NM_016434.4); c.2719C>A, p.His907Asn (NM_032957.5); short protein forms H660N, H883N, H907N.
Identifiers: ClinVar variation 3748245 (VCV003748245.2).

ClinVar aggregate classification (germline): Uncertain significance (1 of 4 stars; one submission).

Conditions:
Pulmonary fibrosis and/or bone marrow failure, Telomere-related, 3. Also called: PULMONARY FIBROSIS AND/OR BONE MARROW FAILURE SYNDROME, TELOMERE-RELATED, 3. Identifiers: Orphanet 2032, MedGen C4225346, MONDO:0014613, OMIM 616373.
Dyskeratosis congenita, autosomal recessive 5 (DKCB5). Identifiers: MedGen C3554656, MONDO:0014076, OMIM 615190.

Submission:

Labcorp Genetics (formerly Invitae), Labcorp
Classification: Uncertain significance for Dyskeratosis congenita, autosomal recessive 5; Pulmonary fibrosis and/or bone marrow failure, Telomere-related, 3. Last evaluated: 2024-10-12. Review status: criteria provided, single submitter. Criteria: Invitae Variant Classification Sherloc (09022015). Collection method: clinical testing. Allele origin: germline.
Comment: This sequence change replaces histidine, which is basic and polar, with asparagine, which is neutral and polar, at codon 883 of the RTEL1 protein (p.His883Asn). This variant is not present in population databases (gnomAD no frequency). This variant has not been reported in the literature in individuals affected with RTEL1-related conditions. An algorithm developed to predict the effect of missense changes on protein structure and function outputs the following: PolyPhen-2: "Benign". The asparagine amino acid residue is found in multiple mammalian species, which suggests that this missense change does not adversely affect protein function. In summary, the available evidence is currently insufficient to determine the role of this variant in disease. Therefore, it has been classified as a Variant of Uncertain Significance.